The following is an entry in ClinVar:

NM_001375380.1(EBF3):c.1218G>A (p.Ala406=)

Gene: EBF3 (EBF transcription factor 3; minus strand). Cytogenetic location: 10q26.3.
Variant type: single nucleotide variant.
Coding change: c.1218G>A on transcript NM_001375380.1 (MANE Select); coding-DNA position 1218, G replaced by A.
Protein change: p.Ala406=; no amino-acid change (alanine 406 retained).
Molecular consequence: synonymous variant.
Genome position (GRCh38, 1-based): chr10:129,842,270, C>T on the plus strand (G>A on the coding strand, the complement: EBF3 is on the minus strand). VCF-style: chr10-129842270-C-T. GRCh37 (hg19) VCF-style: chr10-131640534-C-T.
Other names: c.1191G>A, p.Ala397= (NM_001005463.3, NM_001375390.1, NM_001375392.1); c.1218G>A, p.Ala406= (NM_001375379.1, NM_001375389.1, NM_001375391.1).
Identifiers: ClinVar variation 3044256 (VCV003044256.3), dbSNP rs144257779, ClinGen allele CA5748423.
Genomic context (GRCh38, chr10:129,842,270, plus strand): 5'-GCCCAGGGTGGGGATCTGGTTGTGATTGCGGGGAACGCTGTACAGCGCCTCGGCGATGTC[C>T]GCCGCTCGCTTCAAGATGATCTCCTGCAGCAGGAGCAAGTGGGAGCCGGCCTGTCACCCC-3'
Protein context (NP_001362309.1, residues 396-416): NNQEIILKRA[Ala406=]DIAEALYSVP

ClinVar aggregate classification (germline): Likely benign. Review status: criteria provided, single submitter (1 of 4 stars). 2 submissions from 2 submitters: Likely benign (1). 1 of the submissions does not count toward it. Last evaluated 2026-06-15.

Conditions:
EBF3-related disorder. Identifiers: MedGen CN239924.

Allele frequency attached by ClinVar (database versions not stated): TOPMed 0.00012; gnomAD 0.00009; ESP Exome Variant Server 0.00023; gnomAD exomes 0.00003; ExAC 0.00004.
gnomAD v4.1: 64 of 1,603,980 alleles (0.004%); highest among the groups gnomAD compares: African/African-American, 0.035%; no homozygotes.

Submissions (2):

Women's Health and Genetics/Laboratory Corporation of America, LabCorp
Classification: Likely benign. Last evaluated: 2026-06-15. Review status: criteria provided, single submitter. Criteria: LabCorp Variant Classification Summary - May 2015. Collection method: clinical testing. Allele origin: germline.

PreventionGenetics, part of Exact Sciences
Classification: Likely benign for EBF3-related condition. Last evaluated: 2019-06-07. Review status: no assertion criteria provided. Collection method: clinical testing. Allele origin: germline. Not counted in ClinVar's aggregate classification.
Comment: This variant is classified as likely benign based on ACMG/AMP sequence variant interpretation guidelines (Richards et al. 2015 PMID: 25741868, with internal and published modifications).